The following is an entry in ClinVar:

NM_020964.3(EPG5):c.67AAG[2] (p.Lys25del)

Gene: EPG5 (ectopic P-granules 5 autophagy tethering factor; minus strand). Cytogenetic location: 18q21.1.
Variant type: Microsatellite.
Coding change: c.67AAG[2] on transcript NM_020964.3 (MANE Select); two copies in a row of the 3-base unit AAG starting at c.67; the reference has three copies in a row; one copy, 3 bases deleted; also written c.73_75del.
Protein change: p.Lys25del; deletes lysine 25.
Molecular consequence: inframe deletion. On other transcripts: inframe indel (2).
Genome position (GRCh38, 1-based): chr18:45,955,327-45,955,329, CTT deleted on the plus strand (AAG on the coding strand, the reverse complement: EPG5 is on the minus strand); deleting any 3 consecutive bases within chr18:45,955,327-45,955,335 gives the same sequence; the position shown is the placement nearest the transcript's 3' end. VCF-style (leftmost placement, unchanged base first): chr18-45955326-ACTT-A. GRCh37 (hg19) VCF-style: chr18-43535292-ACTT-A.
Other names: c.67_69AAG[2], p.Lys25del (NM_001410858.1, NM_001410859.1); c.73_75del (NM_020964.3); short protein forms K25del.
Identifiers: ClinVar variation 1899281 (VCV001899281.6), dbSNP rs773704123, ClinGen allele CA8950011.

ClinVar aggregate classification (germline): Uncertain significance. Review status: criteria provided, multiple submitters, no conflicts (2 of 4 stars). 3 submissions from 3 submitters: Uncertain significance (3). Last evaluated 2022-04-22.

Conditions:
Vici syndrome (VICIS). Identifiers: Orphanet 1493, MedGen C1855772, MONDO:0009452, OMIM 242840.
Inborn genetic diseases. Identifiers: MedGen C0950123, MeSH D030342.

Submissions (3):

Labcorp Genetics (formerly Invitae), Labcorp
Classification: Uncertain significance for Vici syndrome. Last evaluated: 2022-04-22. Review status: criteria provided, single submitter. Criteria: Invitae Variant Classification Sherloc (09022015). Collection method: clinical testing. Allele origin: germline.
Comment: This variant, c.73_75del, results in the deletion of 1 amino acid(s) of the EPG5 protein (p.Lys25del), but otherwise preserves the integrity of the reading frame. This variant is present in population databases (rs773704123, gnomAD 0.02%). This variant has not been reported in the literature in individuals affected with EPG5-related conditions. Experimental studies and prediction algorithms are not available or were not evaluated, and the functional significance of this variant is currently unknown. In summary, the available evidence is currently insufficient to determine the role of this variant in disease. Therefore, it has been classified as a Variant of Uncertain Significance.

Ambry Genetics
Classification: Uncertain significance for Inborn genetic diseases. Last evaluated: 2022-02-24. Review status: criteria provided, single submitter. Criteria: Ambry Variant Classification Scheme 2023. Collection method: clinical testing. Allele origin: germline.
Comment: The c.73_75delAAG (p.K25del) alteration is located in exon 2 (coding exon 2) of the EPG5 gene. This alteration consists of an in-frame deletion of 3 nucleotides between nucleotide positions c.73 and c.75, resulting in the deletion of <NA> residues. Based on insufficient or conflicting evidence, the clinical significance of this alteration remains unclear.

Juno Genomics, Hangzhou Juno Genomics, Inc
Classification: Uncertain significance for Vici syndrome. Review status: criteria provided, single submitter. Criteria: ACMG Guidelines, 2015. Collection method: clinical testing. Allele origin: germline.
Comment: Absent from controls (or at extremely low frequency if recessive) in Genome Aggregation Database.;Protein length changes due to in-frame deletions/insertions in a non-repeat region or stop-loss variants.